The following is an entry in ClinVar:

NM_001943.5(DSG2):c.2257G>T (p.Ala753Ser)

Genes: DSG2 (desmoglein 2; plus strand), DSG2-AS1 (DSG2 antisense RNA 1; minus strand). Cytogenetic location: 18q12.1.
Variant type: single nucleotide variant.
Coding change: c.2257G>T on transcript NM_001943.5 (MANE Select); coding-DNA position 2257, G replaced by T.
Protein change: p.Ala753Ser; replaces alanine 753 with serine.
Molecular consequence: missense variant.
Genome position (GRCh38, 1-based): chr18:31,542,775, G>T. VCF-style: chr18-31542775-G-T. GRCh37 (hg19) VCF-style: chr18-29122738-G-T.
Other names: c.2257G>T (NM_001943.3); short protein forms A753S.
Identifiers: ClinVar variation 1171851 (VCV001171851.3), dbSNP rs2144353551, ClinGen allele CA402142819.

ClinVar aggregate classification (germline): Conflicting classifications of pathogenicity. Review status: criteria provided, conflicting classifications (1 of 4 stars). 2 submissions from 2 submitters: Uncertain significance (1); Likely benign (1). Last evaluated 2025-05-12.

Conditions:
Cardiovascular phenotype. Identifiers: MedGen CN230736.
Cardiomyopathy (CMYO). Also called: Cardiomyopathies. Identifiers: Orphanet 167848, MedGen C0878544, MONDO:0004994, HP:0001638. Inheritance: Various modes of inheritance.

Submissions (2):

Ambry Genetics
Classification: Likely benign for Cardiovascular phenotype. Last evaluated: 2025-05-12. Review status: criteria provided, single submitter. Criteria: Ambry Variant Classification Scheme 2023. Collection method: clinical testing. Allele origin: germline.

Color Diagnostics, LLC DBA Color Health
Classification: Uncertain significance for Cardiomyopathy. Last evaluated: 2021-01-19. Review status: criteria provided, single submitter. Criteria: ACMG Guidelines, 2015. Collection method: clinical testing. Allele origin: germline.
Comment: This missense variant replaces alanine with serine at codon 753 of the DSG2 protein. Computational prediction suggests that this variant may not impact protein structure and function (internally defined REVEL score threshold <= 0.5, PMID: 27666373). To our knowledge, functional studies have not been reported for this variant. This variant has not been reported in individuals affected with cardiovascular disorders in the literature. This variant has not been identified in the general population by the Genome Aggregation Database (gnomAD). The available evidence is insufficient to determine the role of this variant in disease conclusively. Therefore, this variant is classified as a Variant of Uncertain Significance.

Literature cited by the submitters: PubMed 31983221 (cited by Ambry Genetics).